The following is an entry in ClinVar:

NM_004006.3(DMD):c.2793G>A (p.Glu931=)

Gene: DMD (dystrophin; minus strand). Cytogenetic location: Xp21.1.
Variant type: single nucleotide variant.
Coding change: c.2793G>A on transcript NM_004006.3 (MANE Select); coding-DNA position 2793, G replaced by A.
Protein change: p.Glu931=; no amino-acid change (glutamic acid 931 retained).
Molecular consequence: synonymous variant.
Genome position (GRCh38, 1-based): chrX:32,484,929, C>T on the plus strand (G>A on the coding strand, the complement: DMD is on the minus strand). VCF-style: chrX-32484929-C-T. GRCh37 (hg19) VCF-style: chrX-32503046-C-T.
Other names: c.2769G>A, p.Glu923= (NM_000109.4); c.2781G>A, p.Glu927= (NM_004009.3); c.2424G>A, p.Glu808= (NM_004010.3).
Identifiers: ClinVar variation 4874315 (VCV004874315.2).

ClinVar aggregate classification (germline): Likely benign (1 of 4 stars; one submission).

gnomAD v4.1: 1 of 1,209,451 alleles (0.000083%); highest among the groups gnomAD compares: Admixed American, 0.0022%; no homozygotes.

Submission:

CeGaT Center for Human Genetics Tuebingen
Classification: Likely benign. Last evaluated: 2026-05-01. Review status: criteria provided, single submitter. Criteria: CeGaT Center For Human Genetics Tuebingen Variant Classification Criteria Version 2. Collection method: clinical testing. Allele origin: germline. Affected: yes. Observed: 3 variant alleles.
Comment: DMD: BP4, BP7